The following is an entry in ClinVar:

ClinVar aggregate classification (germline): Conflicting classifications of pathogenicity. Review status: criteria provided, conflicting classifications (1 of 4 stars). 4 submissions from 4 submitters: Uncertain significance (1); Likely benign (3). Last evaluated 2026-01-28.

Conditions:
Autoinflammatory syndrome. Identifiers: Orphanet 93665, MedGen C3890737, MONDO:0019751.
Familial hemophagocytic lymphohistiocytosis 5. Also called: STXBP2-Related Familial Hemophagocytic Lymphohistiocytosis (STXBP2-fHLH). Identifiers: Orphanet 540, MedGen C2751293, MONDO:0013135, OMIM 613101.

Allele frequency attached by ClinVar (database versions not stated): ExAC 0.00005; gnomAD exomes 0.00006; TOPMed 0.00013; gnomAD 0.00014 and 0.00015; 1000 Genomes Project 30x 0.00016; 1000 Genomes Project 0.00020.
gnomAD v4.1: 58 of 1,553,832 alleles (0.0037%); highest among the groups gnomAD compares: African/African-American, 0.055%; no homozygotes.

Submissions (4):

Labcorp Genetics (formerly Invitae), Labcorp
Classification: Likely benign for Familial hemophagocytic lymphohistiocytosis 5. Last evaluated: 2026-01-28. Review status: criteria provided, single submitter. Criteria: Invitae Variant Classification Sherloc (09022015). Collection method: clinical testing. Allele origin: germline.

Mayo Clinic Laboratories, Mayo Clinic
Classification: Likely benign. Last evaluated: 2025-01-27. Review status: criteria provided, single submitter. Criteria: ACMG Guidelines, 2015. Collection method: clinical testing. Allele origin: germline. Observed: 1 variant allele.
Comment: BP4, BP7

Blueprint Genetics
Classification: Likely benign. Last evaluated: 2024-09-09. Review status: criteria provided, single submitter. Criteria: ACMG Guidelines, 2015. Collection method: clinical testing. Allele origin: germline.

Genome Diagnostics Laboratory, The Hospital for Sick Children
Classification: Uncertain significance for Autoinflammatory syndrome. Last evaluated: 2017-08-22. Review status: criteria provided, single submitter. Criteria: ACMG Guidelines, 2015. Collection method: clinical testing. Allele origin: germline. Affected: yes.

NM_006949.4(STXBP2):c.561G>A (p.Pro187=)

Gene: STXBP2 (syntaxin binding protein 2; plus strand). Cytogenetic location: 19p13.2.
Variant type: single nucleotide variant.
Coding change: c.561G>A on transcript NM_006949.4 (MANE Select); coding-DNA position 561, G replaced by A.
Protein change: p.Pro187=; no amino-acid change (proline 187 retained).
Molecular consequence: synonymous variant. On other transcripts: non-coding transcript variant (1).
Genome position (GRCh38, 1-based): chr19:7,641,836, G>A. VCF-style: chr19-7641836-G-A. GRCh37 (hg19) VCF-style: chr19-7706722-G-A.
Other names: p.Pro187=; c.552G>A, p.Pro184= (NM_001127396.3); c.594G>A, p.Pro198= (NM_001272034.2).
Identifiers: ClinVar variation 738180 (VCV000738180.16), dbSNP rs535372251, ClinGen allele CA9143685.